The following is an entry in ClinVar:

ClinVar aggregate classification (germline): Uncertain significance. Review status: criteria provided, multiple submitters, no conflicts (2 of 4 stars). 2 submissions from 2 submitters: Uncertain significance (2). Last evaluated 2022-01-02.

Conditions:
Cardiovascular phenotype. Identifiers: MedGen CN230736.

gnomAD v4.1: 4 of 1,614,018 alleles (0.00025%); highest among the groups gnomAD compares: Non-Finnish European, 0.00034%; no homozygotes.

Submissions (2):

Ambry Genetics
Classification: Uncertain significance for Cardiovascular phenotype. Last evaluated: 2022-01-02. Review status: criteria provided, single submitter. Criteria: Ambry Variant Classification Scheme 2023. Collection method: clinical testing. Allele origin: germline.
Comment: The p.A1855S variant (also known as c.5563G>T), located in coding exon 40 of the ABCA1 gene, results from a G to T substitution at nucleotide position 5563. The alanine at codon 1855 is replaced by serine, an amino acid with similar properties. This amino acid position is conserved. In addition, the in silico prediction for this alteration is inconclusive. Since supporting evidence is limited at this time, the clinical significance of this alteration remains unclear.

Labcorp Genetics (formerly Invitae), Labcorp
Classification: Uncertain significance. Last evaluated: 2021-10-20. Review status: criteria provided, single submitter. Criteria: Invitae Variant Classification Sherloc (09022015). Collection method: clinical testing. Allele origin: germline.
Comment: In summary, the available evidence is currently insufficient to determine the role of this variant in disease. Therefore, it has been classified as a Variant of Uncertain Significance. Advanced modeling of protein sequence and biophysical properties (such as structural, functional, and spatial information, amino acid conservation, physicochemical variation, residue mobility, and thermodynamic stability) performed at Invitae indicates that this missense variant is not expected to disrupt ABCA1 protein function. This variant has not been reported in the literature in individuals affected with ABCA1-related conditions. This variant is not present in population databases (ExAC no frequency). This sequence change replaces alanine with serine at codon 1855 of the ABCA1 protein (p.Ala1855Ser). The alanine residue is moderately conserved and there is a moderate physicochemical difference between alanine and serine.

NM_005502.4(ABCA1):c.5563G>T (p.Ala1855Ser)

Gene: ABCA1 (ATP binding cassette subfamily A member 1; minus strand). Cytogenetic location: 9q31.1.
Variant type: single nucleotide variant.
Coding change: c.5563G>T on transcript NM_005502.4 (MANE Select); coding-DNA position 5563, G replaced by T.
Protein change: p.Ala1855Ser; replaces alanine 1855 with serine.
Molecular consequence: missense variant.
Genome position (GRCh38, 1-based): chr9:104,793,244, C>A on the plus strand (G>T on the coding strand, the complement: ABCA1 is on the minus strand). VCF-style: chr9-104793244-C-A. GRCh37 (hg19) VCF-style: chr9-107555525-C-A.
Other names: short protein forms A1855S.
Identifiers: ClinVar variation 1378054 (VCV001378054.6), dbSNP rs766712712, ClinGen allele CA374312604.
Genomic context (GRCh38, chr9:104,793,244, plus strand): 5'-AGAATCTGTACTGGATCAGAACAGTAATGAGGAAGAACACCACCCCTTCCACGGCCATGG[C>A]GAAGAGGTTTCGTCCCACCAAGTCCCAAGATAATGGTGACACAAAGCGATTCTCCCCTAG-3'
Protein context (NP_005493.2, residues 1845-1865): SWDLVGRNLF[Ala1855Ser]MAVEGVVFFL